The following is an entry in ClinVar:

ClinVar aggregate classification (germline): Uncertain significance. Review status: criteria provided, multiple submitters, no conflicts (2 of 4 stars). 3 submissions from 3 submitters: Uncertain significance (3). Last evaluated 2024-04-30.

Conditions:
Cardiomyopathy (CMYO). Also called: Cardiomyopathies. Identifiers: Orphanet 167848, MedGen C0878544, MONDO:0004994, HP:0001638. Inheritance: Various modes of inheritance.
Catecholaminergic polymorphic ventricular tachycardia 1. Also called: VENTRICULAR TACHYCARDIA, CATECHOLAMINERGIC POLYMORPHIC, 1, WITH OR WITHOUT ATRIAL DYSFUNCTION AND/OR DILATED CARDIOMYOPATHY; RYR2-Related Catecholaminergic Polymorphic Ventricular Tachycardia; VENTRICULAR TACHYCARDIA, STRESS-INDUCED POLYMORPHIC 1. Identifiers: Orphanet 3286, MedGen C1631597, MONDO:0011484, OMIM 604772.

Submissions (3):

GeneDx
Classification: Uncertain significance. Last evaluated: 2024-04-30. Review status: criteria provided, single submitter. Criteria: GeneDx Variant Classification Process June 2021. Collection method: clinical testing. Allele origin: germline. Affected: yes.
Comment: Not observed at significant frequency in large population cohorts (gnomAD); In silico analysis supports that this missense variant has a deleterious effect on protein structure/function; Has not been previously published as pathogenic or benign to our knowledge; Not located in one of the three hot-spot regions of the RYR2 gene, where the majority of pathogenic missense variants occur (PMID: 19926015); This variant is associated with the following publications: (PMID: 19926015)

Color Diagnostics, LLC DBA Color Health
Classification: Uncertain significance for Cardiomyopathy. Last evaluated: 2024-01-02. Review status: criteria provided, single submitter. Criteria: ACMG Guidelines, 2015. Collection method: clinical testing. Allele origin: germline.
Comment: This missense variant replaces alanine with glutamic acid at codon 1008 of the RYR2 protein. Computational prediction suggests that this variant may have deleterious impact on protein structure and function (internally defined REVEL score threshold >= 0.7, PMID: 27666373). To our knowledge, functional studies have not been reported for this variant. This variant has not been reported in individuals affected with RYR2-related disorders in the literature. This variant has not been identified in the general population by the Genome Aggregation Database (gnomAD). The available evidence is insufficient to determine the role of this variant in disease conclusively. Therefore, this variant is classified as a Variant of Uncertain Significance.

Labcorp Genetics (formerly Invitae), Labcorp
Classification: Uncertain significance for Catecholaminergic polymorphic ventricular tachycardia 1. Last evaluated: 2021-06-10. Review status: criteria provided, single submitter. Criteria: Invitae Variant Classification Sherloc (09022015). Collection method: clinical testing. Allele origin: germline.
Comment: This variant is not present in population databases (ExAC no frequency). This sequence change replaces alanine with glutamic acid at codon 1008 of the RYR2 protein (p.Ala1008Glu). The alanine residue is highly conserved and there is a moderate physicochemical difference between alanine and glutamic acid. This variant has not been reported in the literature in individuals with RYR2-related conditions. In summary, the available evidence is currently insufficient to determine the role of this variant in disease. Therefore, it has been classified as a Variant of Uncertain Significance. Advanced modeling of protein sequence and biophysical properties (such as structural, functional, and spatial information, amino acid conservation, physicochemical variation, residue mobility, and thermodynamic stability) performed at Invitae indicates that this missense variant is expected to disrupt RYR2 protein function.

NM_001035.3(RYR2):c.3023C>A (p.Ala1008Glu)

Gene: RYR2 (ryanodine receptor 2; plus strand). Cytogenetic location: 1q43.
Variant type: single nucleotide variant.
Coding change: c.3023C>A on transcript NM_001035.3 (MANE Select); coding-DNA position 3023, C replaced by A.
Protein change: p.Ala1008Glu; replaces alanine 1008 with glutamic acid.
Molecular consequence: missense variant.
Genome position (GRCh38, 1-based): chr1:237,548,547, C>A. VCF-style: chr1-237548547-C-A. GRCh37 (hg19) VCF-style: chr1-237711847-C-A.
Other names: c.3023C>A (NM_001035.2); short protein forms A1008E.
Identifiers: ClinVar variation 1497670 (VCV001497670.12), dbSNP rs1232224119, ClinGen allele CA345393672.